The following is an entry in ClinVar:

NM_006279.5(ST3GAL3):c.251G>A (p.Gly84Glu)

Gene: ST3GAL3 (ST3 beta-galactoside alpha-2,3-sialyltransferase 3; plus strand). Cytogenetic location: 1p34.1.
Variant type: single nucleotide variant.
Coding change: c.251G>A on transcript NM_006279.5 (MANE Select); coding-DNA position 251, G replaced by A.
Protein change: p.Gly84Glu; replaces glycine 84 with glutamic acid.
Molecular consequence: missense variant. On other transcripts: non-coding transcript variant (7), intron variant (2), 5 prime UTR variant (1).
Genome position (GRCh38, 1-based): chr1:43,838,260, G>A. VCF-style: chr1-43838260-G-A. GRCh37 (hg19) VCF-style: chr1-44303932-G-A.
Other names: c.203G>A, p.Gly68Glu (NM_174970.4, NM_001270461.3, NM_001270464.3 and 2 more transcripts); c.365G>A, p.Gly122Glu (NM_174971.5); c.251G>A, p.Gly84Glu (NM_001270459.2, NM_001350620.2, NM_174966.4 and 1 more transcripts); c.209+23327G>A (NM_001270460.2); c.248G>A, p.Gly83Glu (NM_001270463.3, NM_001270465.3); c.161+23327G>A (NM_001270462.3); c.296G>A, p.Gly99Glu (NM_001350619.2, NM_174964.4, NM_174965.4); c.-203G>A (NM_001350621.2); and 2 more; short protein forms G84E, G99E, G138E, G122E, G153E, G68E, G83E.
Identifiers: ClinVar variation 946551 (VCV000946551.10), dbSNP rs1461836458, ClinGen allele CA340266468.

ClinVar aggregate classification (germline): Uncertain significance (1 of 4 stars; one submission).

Conditions:
Early-infantile DEE. Also called: Early infantile epileptic encephalopathy; Ohtahara syndrome; Early infantile epileptic encephalopathy with suppression bursts. Identifiers: Orphanet 1934, MedGen C0393706, MONDO:0800491.

Allele frequency attached by ClinVar (database versions not stated): gnomAD exomes below 0.00001 and 0.00001; TOPMed below 0.00001.
gnomAD v4.1: 16 of 1,614,024 alleles (0.00099%); highest among the groups gnomAD compares: Non-Finnish European, 0.0013%; no homozygotes.

Submission:

Labcorp Genetics (formerly Invitae), Labcorp
Classification: Uncertain significance for Early-infantile DEE. Last evaluated: 2022-05-09. Review status: criteria provided, single submitter. Criteria: Invitae Variant Classification Sherloc (09022015). Collection method: clinical testing. Allele origin: germline.
Comment: This variant has not been reported in the literature in individuals affected with ST3GAL3-related conditions. In summary, the available evidence is currently insufficient to determine the role of this variant in disease. Therefore, it has been classified as a Variant of Uncertain Significance. Algorithms developed to predict the effect of missense changes on protein structure and function are either unavailable or do not agree on the potential impact of this missense change (SIFT: "Deleterious"; PolyPhen-2: "Probably Damaging"; Align-GVGD: "Class C0"). ClinVar contains an entry for this variant (Variation ID: 946551). This variant is present in population databases (no rsID available, gnomAD 0.0009%). This sequence change replaces glycine, which is neutral and non-polar, with glutamic acid, which is acidic and polar, at codon 84 of the ST3GAL3 protein (p.Gly84Glu).